The following is an entry in ClinVar:

ClinVar aggregate classification (germline): Likely benign (1 of 4 stars; one submission).

gnomAD v4.1: 25,937 of 1,570,548 alleles (1.7%); highest among the groups gnomAD compares: Non-Finnish European, 1.9%; 281 homozygotes.

Submission:

GeneDx
Classification: Likely benign. Last evaluated: 2018-07-09. Review status: criteria provided, single submitter. Criteria: GeneDx Variant Classification Process June 2021. Collection method: clinical testing. Allele origin: germline. Affected: yes.
Comment: See Variant Classification Assertion Criteria.

NM_018036.7(ATG2B):c.3038-25G>A

Gene: ATG2B (autophagy related 2B; minus strand). Cytogenetic location: 14q32.2.
Variant type: single nucleotide variant.
Coding change: c.3038-25G>A on transcript NM_018036.7 (MANE Select); 25 bases into the intron before coding-DNA position 3038, G replaced by A.
Molecular consequence: intron variant.
Genome position (GRCh38, 1-based): chr14:96,317,342, C>T on the plus strand (G>A on the coding strand, the complement: ATG2B is on the minus strand). VCF-style: chr14-96317342-C-T. GRCh37 (hg19) VCF-style: chr14-96783679-C-T.
Identifiers: ClinVar variation 4795387 (VCV004795387.1).